The following is an entry in ClinVar:

ClinVar aggregate classification (germline): Uncertain significance. Review status: criteria provided, multiple submitters, no conflicts (2 of 4 stars). 2 submissions from 2 submitters: Uncertain significance (2). Last evaluated 2025-09-18.

Conditions:
Gastrointestinal stromal tumor. Also called: Gastrointestinal stromal tumor, somatic; Gastrointestinal stroma tumor. Identifiers: Orphanet 44890, MedGen C0238198, MeSH D046152, MONDO:0011719, OMIM 606764, HP:0100723.
Hereditary cancer-predisposing syndrome. Also called: Neoplastic Syndromes, Hereditary; Tumor predisposition; Hereditary Cancer Syndrome; Hereditary neoplastic syndrome. Identifiers: Orphanet 140162, MedGen C0027672, MeSH D009386, MONDO:0015356.

gnomAD v4.1: 3 of 1,563,890 alleles (0.00019%); highest among the groups gnomAD compares: African/African-American, 0.0014%; no homozygotes.

Submissions (2):

Ambry Genetics
Classification: Uncertain significance for Hereditary cancer-predisposing syndrome. Last evaluated: 2025-09-18. Review status: criteria provided, single submitter. Criteria: Ambry Variant Classification Scheme 2023. Collection method: clinical testing. Allele origin: germline.
Comment: The p.E788K variant (also known as c.2362G>A), located in coding exon 16 of the PDGFRA gene, results from a G to A substitution at nucleotide position 2362. The glutamic acid at codon 788 is replaced by lysine, an amino acid with similar properties. This amino acid position is conserved. In addition, the in silico prediction for this alteration is inconclusive. Based on the available evidence, the clinical significance of this variant remains unclear.

Labcorp Genetics (formerly Invitae), Labcorp
Classification: Uncertain significance for Gastrointestinal stromal tumor. Last evaluated: 2024-02-26. Review status: criteria provided, single submitter. Criteria: Invitae Variant Classification Sherloc (09022015). Collection method: clinical testing. Allele origin: germline.
Comment: This sequence change replaces glutamic acid, which is acidic and polar, with lysine, which is basic and polar, at codon 788 of the PDGFRA protein (p.Glu788Lys). This variant is present in population databases (rs536062496, gnomAD 0.007%). This variant has not been reported in the literature in individuals affected with PDGFRA-related conditions. Advanced modeling of protein sequence and biophysical properties (such as structural, functional, and spatial information, amino acid conservation, physicochemical variation, residue mobility, and thermodynamic stability) performed at Invitae indicates that this missense variant is not expected to disrupt PDGFRA protein function with a negative predictive value of 80%. In summary, the available evidence is currently insufficient to determine the role of this variant in disease. Therefore, it has been classified as a Variant of Uncertain Significance.

NM_006206.6(PDGFRA):c.2362G>A (p.Glu788Lys)

Gene: PDGFRA (platelet derived growth factor receptor alpha; plus strand). Cytogenetic location: 4q12.
Variant type: single nucleotide variant.
Coding change: c.2362G>A on transcript NM_006206.6 (MANE Select); coding-DNA position 2362, G replaced by A.
Protein change: p.Glu788Lys; replaces glutamic acid 788 with lysine.
Molecular consequence: missense variant.
Genome position (GRCh38, 1-based): chr4:54,285,409, G>A. VCF-style: chr4-54285409-G-A. GRCh37 (hg19) VCF-style: chr4-55151576-G-A.
Other names: c.2401G>A, p.Glu801Lys (NM_001347830.2); c.2437G>A, p.Glu813Lys (NM_001347828.2); c.2362G>A, p.Glu788Lys (NM_001347829.2); short protein forms E788K, E801K, E813K.
Identifiers: ClinVar variation 3605476 (VCV003605476.2).